The following is an entry in ClinVar:

NM_001365480.1(CCDC88A):c.4319A>G (p.Gln1440Arg)

Gene: CCDC88A (coiled-coil and HOOK domain protein 88A; minus strand). Cytogenetic location: 2p16.1.
Variant type: single nucleotide variant.
Coding change: c.4319A>G on transcript NM_001365480.1 (MANE Select); coding-DNA position 4319, A replaced by G.
Protein change: p.Gln1440Arg; replaces glutamine 1440 with arginine.
Molecular consequence: missense variant.
Genome position (GRCh38, 1-based): chr2:55,308,877, T>C on the plus strand (A>G on the coding strand, the complement: CCDC88A is on the minus strand). VCF-style: chr2-55308877-T-C. GRCh37 (hg19) VCF-style: chr2-55536013-T-C.
Other names: c.4316A>G, p.Gln1439Arg (NM_001135597.2, NM_001254943.2); c.4319A>G, p.Gln1440Arg (NM_018084.5); short protein forms Q1439R, Q1440R.
Identifiers: ClinVar variation 1401484 (VCV001401484.8), dbSNP rs2104595613, ClinGen allele CA346884478.

ClinVar aggregate classification (germline): Uncertain significance (1 of 4 stars; one submission).

Submission:

Labcorp Genetics (formerly Invitae), Labcorp
Classification: Uncertain significance. Last evaluated: 2021-12-02. Review status: criteria provided, single submitter. Criteria: Invitae Variant Classification Sherloc (09022015). Collection method: clinical testing. Allele origin: germline.
Comment: This variant has not been reported in the literature in individuals affected with CCDC88A-related conditions. In summary, the available evidence is currently insufficient to determine the role of this variant in disease. Therefore, it has been classified as a Variant of Uncertain Significance. Algorithms developed to predict the effect of missense changes on protein structure and function (SIFT, PolyPhen-2, Align-GVGD) all suggest that this variant is likely to be tolerated. This variant is not present in population databases (gnomAD no frequency). This sequence change replaces glutamine, which is neutral and polar, with arginine, which is basic and polar, at codon 1439 of the CCDC88A protein (p.Gln1439Arg).